The following is an entry in ClinVar:

NM_000196.4(HSD11B2):c.706A>C (p.Lys236Gln)

Gene: HSD11B2 (hydroxysteroid 11-beta dehydrogenase 2; plus strand). Cytogenetic location: 16q22.1.
Variant type: single nucleotide variant.
Coding change: c.706A>C on transcript NM_000196.4 (MANE Select); coding-DNA position 706, A replaced by C.
Protein change: p.Lys236Gln; replaces lysine 236 with glutamine.
Molecular consequence: missense variant.
Genome position (GRCh38, 1-based): chr16:67,436,290, A>C. VCF-style: chr16-67436290-A-C. GRCh37 (hg19) VCF-style: chr16-67470193-A-C.
Other names: short protein forms K236Q.
Identifiers: ClinVar variation 1994597 (VCV001994597.4), dbSNP rs2508608280, ClinGen allele CA396280395.

ClinVar aggregate classification (germline): Uncertain significance (1 of 4 stars; one submission).

Submission:

Labcorp Genetics (formerly Invitae), Labcorp
Classification: Uncertain significance. Last evaluated: 2022-05-15. Review status: criteria provided, single submitter. Criteria: Invitae Variant Classification Sherloc (09022015). Collection method: clinical testing. Allele origin: germline.
Comment: In summary, the available evidence is currently insufficient to determine the role of this variant in disease. Therefore, it has been classified as a Variant of Uncertain Significance. Algorithms developed to predict the effect of missense changes on protein structure and function (SIFT, PolyPhen-2, Align-GVGD) all suggest that this variant is likely to be disruptive. This variant has not been reported in the literature in individuals affected with HSD11B2-related conditions. This variant is not present in population databases (gnomAD no frequency). This sequence change replaces lysine, which is basic and polar, with glutamine, which is neutral and polar, at codon 236 of the HSD11B2 protein (p.Lys236Gln).